The following is an entry in ClinVar:

ClinVar aggregate classification (germline): Uncertain significance (1 of 4 stars; one submission).

Conditions:
Noonan syndrome (NS). Also called: Noonan's syndrome. Identifiers: Orphanet 648, MedGen C0028326, MeSH D009634, MONDO:0018997. Disease mechanism: gain of function.

Allele frequency attached by ClinVar (database versions not stated): gnomAD exomes below 0.00001.
gnomAD v4.1: 3 of 1,565,266 alleles (0.00019%); highest among the groups gnomAD compares: South Asian, 0.0011%; no homozygotes.

Submission:

Labcorp Genetics (formerly Invitae), Labcorp
Classification: Uncertain significance for Noonan syndrome. Last evaluated: 2021-12-25. Review status: criteria provided, single submitter. Criteria: Invitae Variant Classification Sherloc (09022015). Collection method: clinical testing. Allele origin: germline.
Comment: In summary, the available evidence is currently insufficient to determine the role of this variant in disease. Therefore, it has been classified as a Variant of Uncertain Significance. Variants that disrupt the consensus splice site are a relatively common cause of aberrant splicing (PMID: 17576681, 9536098). Algorithms developed to predict the effect of sequence changes on RNA splicing suggest that this variant is not likely to affect RNA splicing. This variant has not been reported in the literature in individuals affected with RRAS-related conditions. This variant is not present in population databases (gnomAD no frequency). This sequence change falls in intron 5 of the RRAS gene. It does not directly change the encoded amino acid sequence of the RRAS protein. It affects a nucleotide within the consensus splice site.

Literature cited by the submitters: PubMed 17576681; PubMed 9536098.

NM_006270.5(RRAS):c.572+3G>A

Gene: RRAS (RAS related; minus strand). Cytogenetic location: 19q13.33.
Variant type: single nucleotide variant.
Coding change: c.572+3G>A on transcript NM_006270.5 (MANE Select); 3 bases into the intron after coding-DNA position 572, G replaced by A.
Molecular consequence: intron variant.
Genome position (GRCh38, 1-based): chr19:49,635,731, C>T on the plus strand (G>A on the coding strand, the complement: RRAS is on the minus strand). VCF-style: chr19-49635731-C-T. GRCh37 (hg19) VCF-style: chr19-50138988-C-T.
Identifiers: ClinVar variation 2417016 (VCV002417016.6), dbSNP rs2513705350, ClinGen allele CA2580097558.